The following is an entry in ClinVar:

ClinVar aggregate classification (germline): Uncertain significance (1 of 4 stars; one submission).

Allele frequency attached by ClinVar (database versions not stated): gnomAD 0.00001; gnomAD exomes 0.00001; ExAC 0.00002; TOPMed 0.00002; ESP Exome Variant Server 0.00008.
gnomAD v4.1: 20 of 1,610,316 alleles (0.0012%); highest among the groups gnomAD compares: Non-Finnish European, 0.00042%; no homozygotes.

Submission:

Labcorp Genetics (formerly Invitae), Labcorp
Classification: Uncertain significance. Last evaluated: 2023-05-08. Review status: criteria provided, single submitter. Criteria: Invitae Variant Classification Sherloc (09022015). Collection method: clinical testing. Allele origin: germline.
Comment: An algorithm developed to predict the effect of missense changes on protein structure and function (PolyPhen-2) suggests that this variant is likely to be disruptive. ClinVar contains an entry for this variant (Variation ID: 2139039). This variant has not been reported in the literature in individuals affected with ATP5D-related conditions. This variant is present in population databases (rs11546884, gnomAD 0.04%). This sequence change replaces glycine, which is neutral and non-polar, with serine, which is neutral and polar, at codon 102 of the ATP5D protein (p.Gly102Ser). In summary, the available evidence is currently insufficient to determine the role of this variant in disease. Therefore, it has been classified as a Variant of Uncertain Significance.

NM_001687.5(ATP5F1D):c.304G>A (p.Gly102Ser)

Gene: ATP5F1D (ATP synthase F1 subunit delta; plus strand). Cytogenetic location: 19p13.3.
Variant type: single nucleotide variant.
Coding change: c.304G>A on transcript NM_001687.5 (MANE Select); coding-DNA position 304, G replaced by A.
Protein change: p.Gly102Ser; replaces glycine 102 with serine.
Molecular consequence: missense variant.
Genome position (GRCh38, 1-based): chr19:1,244,105, G>A. VCF-style: chr19-1244105-G-A. GRCh37 (hg19) VCF-style: chr19-1244104-G-A.
Other names: c.304G>A, p.Gly102Ser (NM_001001975.2); short protein forms G102S.
Identifiers: ClinVar variation 2139039 (VCV002139039.4), dbSNP rs11546884, ClinGen allele CA9040273.
Genomic context (GRCh38, chr19:1,244,105, plus strand): 5'-GGCTGTGCAGCCCTTTGGGGTCTCACGCCTTCCCCCCGCCCCATTCCCCCAGTGAGCAGC[G>A]GTTCCATCGCAGTGAACGCCGACTCTTCGGTGCAGTTGTTGGCCGAAGAGGCCGTGACGC-3'
Protein context (NP_001678.1, residues 92-112): GTTSKYFVSS[Gly102Ser]SIAVNADSSV